The following is an entry in ClinVar:

NM_000217.3(KCNA1):c.2T>G (p.Met1Arg)

Genes: KCNA1 (potassium voltage-gated channel subfamily A member 1; plus strand), LOC130007218 (ATAC-STARR-seq lymphoblastoid silent region 4155; plus strand). Cytogenetic location: 12p13.32.
Variant type: single nucleotide variant.
Coding change: c.2T>G on transcript NM_000217.3 (MANE Select); coding-DNA position 2, T replaced by G.
Protein change: p.Met1Arg; changes the start codon (methionine 1).
Molecular consequence: missense variant, initiator codon variant.
Genome position (GRCh38, 1-based): chr12:4,911,380, T>G. VCF-style: chr12-4911380-T-G. GRCh37 (hg19) VCF-style: chr12-5020546-T-G.
Other names: short protein forms M1R.
Identifiers: ClinVar variation 967035 (VCV000967035.2), dbSNP rs1947350138, ClinGen allele CA383453587.

ClinVar aggregate classification (germline): Uncertain significance (1 of 4 stars; one submission).

Conditions:
Episodic ataxia type 1 (EA1). Also called: ATAXIA, EPISODIC, WITH MYOKYMIA; Episodic ataxia/myokymia syndrome; MYOKYMIA WITH PERIODIC ATAXIA; PAROXYSMAL ATAXIA WITH NEUROMYOTONIA, HEREDITARY. Identifiers: Orphanet 37612, Orphanet 972, MedGen C1719788, MONDO:0008047, OMIM 160120.

Submission:

Labcorp Genetics (formerly Invitae), Labcorp
Classification: Uncertain significance for Episodic ataxia type 1. Last evaluated: 2019-11-06. Review status: criteria provided, single submitter. Criteria: Invitae Variant Classification Sherloc (09022015). Collection method: clinical testing. Allele origin: germline.
Comment: This sequence change affects the initiator methionine of the KCNA1 mRNA. The next in-frame methionine is located at codon 4. This variant is not present in population databases (ExAC no frequency). This variant has not been reported in the literature in individuals with KCNA1-related conditions. Algorithms developed to predict the effect of sequence changes on RNA splicing suggest that this variant may create or strengthen a splice site, but this prediction has not been confirmed by published transcriptional studies. In summary, the available evidence is currently insufficient to determine the role of this variant in disease. Therefore, it has been classified as a Variant of Uncertain Significance.